The following is an entry in ClinVar:

ClinVar aggregate classification (germline): Uncertain significance. Review status: criteria provided, multiple submitters, no conflicts (2 of 4 stars). 2 submissions from 2 submitters: Uncertain significance (2). Last evaluated 2025-11-04.

Conditions:
Progressive familial heart block type IB (PFHB1B). Identifiers: Orphanet 871, MedGen C1970298, MONDO:0011474, OMIM 604559.
Cardiovascular phenotype. Identifiers: MedGen CN230736.

Allele frequency attached by ClinVar (database versions not stated): TOPMed below 0.00001.
gnomAD v4.1: 5 of 1,603,712 alleles (0.00031%); highest among the groups gnomAD compares: Non-Finnish European, 0.00043%; no homozygotes.

Submissions (2):

Ambry Genetics
Classification: Uncertain significance for Cardiovascular phenotype. Last evaluated: 2025-11-04. Review status: criteria provided, single submitter. Criteria: Ambry Variant Classification Scheme 2023. Collection method: clinical testing. Allele origin: germline.
Comment: The p.A52G variant (also known as c.155C>G), located in coding exon 3 of the TRPM4 gene, results from a C to G substitution at nucleotide position 155. The alanine at codon 52 is replaced by glycine, an amino acid with similar properties. This amino acid position is conserved. In addition, this alteration is predicted to be tolerated by in silico analysis. Since supporting evidence is limited at this time, the clinical significance of this alteration remains unclear.

Labcorp Genetics (formerly Invitae), Labcorp
Classification: Uncertain significance for Progressive familial heart block type IB. Last evaluated: 2024-08-27. Review status: criteria provided, single submitter. Criteria: Invitae Variant Classification Sherloc (09022015). Collection method: clinical testing. Allele origin: germline.
Comment: This sequence change replaces alanine, which is neutral and non-polar, with glycine, which is neutral and non-polar, at codon 52 of the TRPM4 protein (p.Ala52Gly). This variant is not present in population databases (gnomAD no frequency). This variant has not been reported in the literature in individuals affected with TRPM4-related conditions. An algorithm developed to predict the effect of missense changes on protein structure and function (PolyPhen-2) suggests that this variant is likely to be disruptive. In summary, the available evidence is currently insufficient to determine the role of this variant in disease. Therefore, it has been classified as a Variant of Uncertain Significance.

NM_017636.4(TRPM4):c.155C>G (p.Ala52Gly)

Gene: TRPM4 (transient receptor potential cation channel subfamily M member 4; plus strand). Cytogenetic location: 19q13.33.
Variant type: single nucleotide variant.
Coding change: c.155C>G on transcript NM_017636.4 (MANE Select); coding-DNA position 155, C replaced by G.
Protein change: p.Ala52Gly; replaces alanine 52 with glycine.
Molecular consequence: missense variant. On other transcripts: 5 prime UTR variant (1), intron variant (2).
Genome position (GRCh38, 1-based): chr19:49,166,103, C>G. VCF-style: chr19-49166103-C-G. GRCh37 (hg19) VCF-style: chr19-49669360-C-G.
Other names: c.155C>G, p.Ala52Gly (NM_001195227.2, NM_001321281.2); c.-1218C>G (NM_001321282.2); c.-74-2157C>G (NM_001321283.2); c.-237-2450C>G (NM_001321285.2); short protein forms A52G.
Identifiers: ClinVar variation 3226999 (VCV003226999.4), dbSNP rs767495100, ClinGen allele CA406789466.
Genomic context (GRCh38, chr19:49,166,103, plus strand): 5'-GGACCTTGTGCCAGTGTGGGCGCCCCCGGACCGCCCACCCCGCAGTGGCCATGGAGGATG[C>G]CTTCGGGGCAGCCGTGGTGACCGTGTGGGACAGCGATGCACACACCACGGAGAAGCCCAC-3'
Protein context (NP_060106.2, residues 42-62): TAHPAVAMED[Ala52Gly]FGAAVVTVWD